The following is an entry in ClinVar:

ClinVar aggregate classification (germline): Likely pathogenic (1 of 4 stars; one submission).

Conditions:
Glycine encephalopathy. Also called: Nonketotic hyperglycinemia; Non-ketotic hyperglycinemia. Identifiers: Orphanet 407, MedGen C0751748, MONDO:0011612, HP:0008288.

Submission:

Natera, Inc.
Classification: Likely pathogenic for Non-ketotic hyperglycinemia. Last evaluated: 2024-04-22. Review status: criteria provided, single submitter. Criteria: Natera Variant Classification Schema (03/2026). Collection method: clinical testing. Allele origin: germline.
Comment: The c.1572delG variant in GLDC is a frameshift variant predicted to shift the reading frame beginning at codon 525 and leads to a stop codon 14 codons downstream. This variant is expected to result in nonsense mediated decay, truncation, or a dysfunctional protein product. This variant is rare in the general population with a frequency below the threshold expected for the associated phenotype(s). Given the available evidence, this variant is classified as Likely Pathogenic.

NM_000170.3(GLDC):c.1572del (p.Phe525fs)

Gene: GLDC (glycine decarboxylase; minus strand). Cytogenetic location: 9p24.1.
Variant type: Deletion.
Coding change: c.1572del on transcript NM_000170.3 (MANE Select); coding-DNA position 1572, one base deleted (G; older notation c.1572delG).
Protein change: p.Phe525fs; shifts the reading frame from phenylalanine 525.
Molecular consequence: frameshift variant.
Genome position (GRCh38, 1-based): chr9:6,589,203, C deleted on the plus strand (G on the coding strand, the reverse complement: GLDC is on the minus strand). VCF-style (leftmost placement, unchanged base first): chr9-6589202-AC-A. GRCh37 (hg19) VCF-style: chr9-6589202-AC-A.
Other names: short protein forms F525fs.
Identifiers: ClinVar variation 4817851 (VCV004817851.1).